The following is an entry in ClinVar:

NM_032043.3(BRIP1):c.2097+1G>C

Gene: BRIP1 (BRCA1 interacting DNA helicase 1; minus strand). Cytogenetic location: 17q23.2.
Variant type: single nucleotide variant.
Coding change: c.2097+1G>C on transcript NM_032043.3 (MANE Select); the canonical splice donor site of the intron after coding-DNA position 2097, G replaced by C.
Molecular consequence: splice donor variant.
Genome position (GRCh38, 1-based): chr17:61,776,400, C>G on the plus strand (G>C on the coding strand, the complement: BRIP1 is on the minus strand). VCF-style: chr17-61776400-C-G. GRCh37 (hg19) VCF-style: chr17-59853761-C-G.
Identifiers: ClinVar variation 186424 (VCV000186424.36), dbSNP rs786202941, ClinGen allele CA194780.

ClinVar aggregate classification (germline): Conflicting classifications of pathogenicity. Review status: criteria provided, conflicting classifications (1 of 4 stars). 7 submissions from 7 submitters: Likely pathogenic (6); Uncertain significance (1). Last evaluated 2025-12-29.

Conditions:
Familial cancer of breast. Also called: BREAST CANCER, FAMILIAL; Hereditary breast cancer; hereditary breast carcinoma. Identifiers: Orphanet 227535, MedGen C0346153, MONDO:0016419, OMIM 114480. Disease mechanism: loss of function.
Fanconi anemia complementation group J. Also called: BRIP1-Related Fanconi Anemia. Identifiers: Orphanet 84, MedGen C1836860, MONDO:0012187, OMIM 609054.
Hereditary cancer-predisposing syndrome. Also called: Hereditary Cancer Syndrome; Neoplastic Syndromes, Hereditary; Tumor predisposition; Hereditary neoplastic syndrome. Identifiers: Orphanet 140162, MedGen C0027672, MeSH D009386, MONDO:0015356.

Allele frequency attached by ClinVar (database versions not stated): TOPMed below 0.00001.

Submissions (7):

Center for Genomic Medicine, Rigshospitalet, Copenhagen University Hospital
Classification: Likely pathogenic. Last evaluated: 2025-12-29. Review status: criteria provided, single submitter. Criteria: ACMG Guidelines, 2015. Collection method: clinical testing. Allele origin: germline.

Ambry Genetics
Classification: Likely pathogenic for Hereditary cancer-predisposing syndrome. Last evaluated: 2025-11-19. Review status: criteria provided, single submitter. Criteria: Ambry Variant Classification Scheme 2023. Collection method: clinical testing. Allele origin: germline.
Comment: The c.2097+1G>C intronic variant results from a G to C substitution one nucleotide after coding exon 13 of the BRIP1 gene. In silico splice site analysis predicts that this alteration will weaken the native splice donor site; however, direct evidence is insufficient at this time (Ambry internal data). This variant is considered to be rare based on population cohorts in the Genome Aggregation Database (gnomAD). Alterations that disrupt the canonical splice site are expected to cause aberrant splicing, resulting in an abnormal protein or a transcript that is subject to nonsense-mediated mRNA decay. As such, this alteration is classified as likely pathogenic.

Labcorp Genetics (formerly Invitae), Labcorp
Classification: Likely pathogenic for Familial cancer of breast; Fanconi anemia complementation group J. Last evaluated: 2025-02-20. Review status: criteria provided, single submitter. Criteria: Invitae Variant Classification Sherloc (09022015). Collection method: clinical testing. Allele origin: germline.
Comment: This sequence change affects a donor splice site in intron 14 of the BRIP1 gene. It is expected to disrupt RNA splicing. Variants that disrupt the donor or acceptor splice site typically lead to a loss of protein function (PMID: 16199547), and loss-of-function variants in BRIP1 are known to be pathogenic (PMID: 16116423, 17033622, 21964575). This variant is not present in population databases (gnomAD no frequency). Disruption of this splice site has been observed in individual(s) with bile duct cancer (PMID: 31263571). ClinVar contains an entry for this variant (Variation ID: 186424). Algorithms developed to predict the effect of sequence changes on RNA splicing suggest that this variant may disrupt the consensus splice site. In summary, the currently available evidence indicates that the variant is pathogenic, but additional data are needed to prove that conclusively. Therefore, this variant has been classified as Likely Pathogenic.

Department of Clinical Genetics, Copenhagen University Hospital, Rigshospitalet
Classification: Likely pathogenic for Hereditary cancer-predisposing syndrome. Last evaluated: 2025-02-04. Review status: criteria provided, single submitter. Criteria: ACMG Guidelines, 2015. Collection method: clinical testing. Allele origin: germline.
Comment: PVS1; PM2_SUP

Color Diagnostics, LLC DBA Color Health
Classification: Uncertain significance for Hereditary cancer-predisposing syndrome. Last evaluated: 2024-04-22. Review status: criteria provided, single submitter. Criteria: ACMG Guidelines, 2015. Collection method: clinical testing. Allele origin: germline.
Comment: This variant causes a G to C nucleotide substitution at the +1 position of intron 14 of the BRIP1 gene. Splice site prediction tools suggest that this variant may have a significant impact on RNA splicing and result in the skipping of exon 14, although this prediction has not been confirmed in published RNA studies. Exon 14 skipping is expected to cause an in-frame deletion of 54 amino acids and disrupt part of the helicase domain in the BRIP1 protein. To our knowledge, functional studies have not been reported and the clinical consequence of this mutant protein is unclear. This variant has been reported in an individual affected with ovarian cancer (PMID: 28888541), an individual affected with breast cancer (PMID: 35353237) and an individual affected with bile duct cancer (PMID: 31263571). In an international breast cancer case-control meta-analysis, this variant was absent in 60466 cases and detected in 2/53461 unaffected controls (PMID: 33471991). This variant has not been identified in the general population by the Genome Aggregation Database (gnomAD). Although there is a suspicion that this variant may be associated with disease, additional studies are necessary to determine the role of this variant in disease conclusively. Therefore, this variant is classified as a Variant of Uncertain Significance.

GeneDx
Classification: Likely pathogenic. Last evaluated: 2022-07-08. Review status: criteria provided, single submitter. Criteria: GeneDx Variant Classification Process June 2021. Collection method: clinical testing. Allele origin: germline. Affected: yes.
Comment: Canonical splice site variant expected to result in aberrant splicing, although in the absence of functional evidence the actual effect of this sequence change is unknown.; Not observed at significant frequency in large population cohorts (gnomAD); Observed in individuals with breast or bile duct cancer in the published literature (Bertelsen et al., 2019; Felix et al., 2022); This variant is associated with the following publications: (PMID: 31263571, 35353237)

Clinical Genetics Laboratory, Skane University Hospital Lund
Classification: Likely pathogenic. Last evaluated: 2022-05-27. Review status: criteria provided, single submitter. Criteria: ACMG Guidelines, 2015. Collection method: clinical testing. Allele origin: germline. Affected: yes.

Literature cited by the submitters: PubMed 31263571 (cited by 3 submitters); PubMed 16199547 (cited by Labcorp Genetics (formerly Invitae), Labcorp); PubMed 16116423 (cited by Labcorp Genetics (formerly Invitae), Labcorp); PubMed 17033622 (cited by Labcorp Genetics (formerly Invitae), Labcorp); PubMed 21964575 (cited by Labcorp Genetics (formerly Invitae), Labcorp); PubMed 28888541 (cited by Color Diagnostics, LLC DBA Color Health); PubMed 33471991 (cited by Color Diagnostics, LLC DBA Color Health); PubMed 35353237 (cited by Color Diagnostics, LLC DBA Color Health).